The following is an entry in ClinVar:

NM_014283.5(SUCO):c.2320G>C (p.Asp774His)

Gene: SUCO (SUN domain containing ossification factor; plus strand). Cytogenetic location: 1q24.3.
Variant type: single nucleotide variant.
Coding change: c.2320G>C on transcript NM_014283.5 (MANE Select); coding-DNA position 2320, G replaced by C.
Protein change: p.Asp774His; replaces aspartic acid 774 with histidine.
Molecular consequence: missense variant. On other transcripts: intron variant (1).
Genome position (GRCh38, 1-based): chr1:172,589,421, G>C. VCF-style: chr1-172589421-G-C. GRCh37 (hg19) VCF-style: chr1-172558561-G-C.
Other names: c.2320G>C (NM_014283.3); c.631G>C, p.Asp211His (NM_001282751.2); c.2773G>C, p.Asp925His (NM_016227.4); c.1712+497G>C (NM_001282750.2); short protein forms D774H, D211H, D925H.
Identifiers: ClinVar variation 2064579 (VCV002064579.5), dbSNP rs371070725, ClinGen allele CA1247062.

ClinVar aggregate classification (germline): Uncertain significance. Review status: criteria provided, multiple submitters, no conflicts (2 of 4 stars). 2 submissions from 2 submitters: Uncertain significance (2). Last evaluated 2025-02-13.

Allele frequency attached by ClinVar (database versions not stated): ESP Exome Variant Server 0.00008.
gnomAD v4.1: 260 of 1,613,288 alleles (0.016%); highest among the groups gnomAD compares: Non-Finnish European, 0.021%; 1 homozygote.

Submissions (2):

Labcorp Genetics (formerly Invitae), Labcorp
Classification: Uncertain significance. Last evaluated: 2025-02-13. Review status: criteria provided, single submitter. Criteria: Invitae Variant Classification Sherloc (09022015). Collection method: clinical testing. Allele origin: germline.
Comment: This sequence change replaces aspartic acid, which is acidic and polar, with histidine, which is basic and polar, at codon 774 of the SUCO protein (p.Asp774His). This variant is present in population databases (rs371070725, gnomAD 0.02%). This variant has not been reported in the literature in individuals affected with SUCO-related conditions. ClinVar contains an entry for this variant (Variation ID: 2064579). An algorithm developed to predict the effect of missense changes on protein structure and function (PolyPhen-2) suggests that this variant is likely to be tolerated. In summary, the available evidence is currently insufficient to determine the role of this variant in disease. Therefore, it has been classified as a Variant of Uncertain Significance.

Ambry Genetics
Classification: Uncertain significance. Last evaluated: 2024-03-04. Review status: criteria provided, single submitter. Criteria: Ambry Variant Classification Scheme 2023. Collection method: clinical testing. Allele origin: germline.